The following is an entry in ClinVar:

ClinVar aggregate classification (germline): Uncertain significance. Review status: criteria provided, single submitter (1 of 4 stars). 2 submissions from 2 submitters: Uncertain significance (1). 1 of the submissions does not count toward it. Last evaluated 2024-11-13.

Conditions:
PLXNA2-related disorder. Also called: PLXNA2-related condition.

gnomAD v4.1: 13 of 1,613,874 alleles (0.00081%); highest among the groups gnomAD compares: Non-Finnish European, 0.001%; no homozygotes.

Submissions (2):

Ambry Genetics
Classification: Uncertain significance. Last evaluated: 2024-11-13. Review status: criteria provided, single submitter. Criteria: Ambry Variant Classification Scheme 2023. Collection method: clinical testing. Allele origin: germline.

PreventionGenetics, part of Exact Sciences
Classification: Uncertain significance for PLXNA2-related condition. Last evaluated: 2024-04-16. Review status: no assertion criteria provided. Collection method: clinical testing. Allele origin: germline. Not counted in ClinVar's aggregate classification.
Comment: The PLXNA2 c.5183G>A variant is predicted to result in the amino acid substitution p.Ser1728Asn. To our knowledge, this variant has not been reported in the literature. This variant is reported in 0.0035% of alleles in individuals of European (Non-Finnish) descent in gnomAD. At this time, the clinical significance of this variant is uncertain due to the absence of conclusive functional and genetic evidence.

NM_025179.4(PLXNA2):c.5183G>A (p.Ser1728Asn)

Gene: PLXNA2 (plexin A2; minus strand). Cytogenetic location: 1q32.2.
Variant type: single nucleotide variant.
Coding change: c.5183G>A on transcript NM_025179.4 (MANE Select); coding-DNA position 5183, G replaced by A.
Protein change: p.Ser1728Asn; replaces serine 1728 with asparagine.
Molecular consequence: missense variant.
Genome position (GRCh38, 1-based): chr1:208,031,632, C>T on the plus strand (G>A on the coding strand, the complement: PLXNA2 is on the minus strand). VCF-style: chr1-208031632-C-T. GRCh37 (hg19) VCF-style: chr1-208204977-C-T.
Other names: short protein forms S1728N.
Identifiers: ClinVar variation 3350579 (VCV003350579.2).